The following is an entry in ClinVar:

NM_001283009.2(RTEL1):c.2775C>T (p.Ser925=)

Genes: RTEL1 (regulator of telomere elongation helicase 1; plus strand), RTEL1-TNFRSF6B (RTEL1-TNFRSF6B readthrough (NMD candidate); plus strand). Cytogenetic location: 20q13.33.
Variant type: single nucleotide variant.
Coding change: c.2775C>T on transcript NM_001283009.2 (MANE Select); coding-DNA position 2775, C replaced by T.
Protein change: p.Ser925=; no amino-acid change (serine 925 retained).
Molecular consequence: synonymous variant. On other transcripts: non-coding transcript variant (1).
Genome position (GRCh38, 1-based): chr20:63,692,927, C>T. VCF-style: chr20-63692927-C-T. GRCh37 (hg19) VCF-style: chr20-62324280-C-T.
Other names: c.2106C>T, p.Ser702= (NM_001283010.1); c.2775C>T, p.Ser925= (NM_016434.4); c.2847C>T, p.Ser949= (NM_032957.5).
Identifiers: ClinVar variation 436569 (VCV000436569.26), dbSNP rs12480346, ClinGen allele CA9965529.
Genomic context (GRCh38, chr20:63,692,927, plus strand): 5'-GGAGTTGAGCCAAGCCAACTTTGCCACCTTCACCCAGGCCCTGCAGGACTACAAGGGTTC[C>T]GATGACTTCGCCGCCCTGGCCGCCTGTCTCGGCCCCCTCTTTGCTGAGGACCCCAAGAAG-3'
Protein context (NP_001269938.1, residues 915-935): FTQALQDYKG[Ser925=]DDFAALAACL

ClinVar aggregate classification (germline): Benign/Likely benign. Review status: criteria provided, multiple submitters, no conflicts (2 of 4 stars). 9 submissions from 9 submitters: Benign (5); Likely benign (2). 2 of the submissions do not count toward it. Last evaluated 2026-02-02.

Conditions:
RTEL1-related disorder. Also called: RTEL1-related condition; RTEL1-related disorders.
Dyskeratosis congenita. Identifiers: Orphanet 1775, MedGen C0265965, MONDO:0015780.
Pulmonary fibrosis and/or bone marrow failure, Telomere-related, 3. Also called: PULMONARY FIBROSIS AND/OR BONE MARROW FAILURE SYNDROME, TELOMERE-RELATED, 3. Identifiers: Orphanet 2032, MedGen C4225346, MONDO:0014613, OMIM 616373.
Dyskeratosis congenita, autosomal recessive 5 (DKCB5). Identifiers: MedGen C3554656, MONDO:0014076, OMIM 615190.
Inborn genetic diseases. Identifiers: MedGen C0950123, MeSH D030342.

Allele frequency attached by ClinVar (database versions not stated): ESP Exome Variant Server 0.00100; gnomAD 0.00414 and 0.00441; ExAC 0.00653; TOPMed 0.00705; gnomAD exomes 0.00835; 1000 Genomes Project 0.00919; 1000 Genomes Project 30x 0.00984.
gnomAD v4.1: 4,192 of 1,612,652 alleles (0.26%); highest among the groups gnomAD compares: Admixed American, 4.6%; 107 homozygotes.

Submissions (9):

Labcorp Genetics (formerly Invitae), Labcorp
Classification: Benign for Dyskeratosis congenita, autosomal recessive 5; Pulmonary fibrosis and/or bone marrow failure, Telomere-related, 3. Last evaluated: 2026-02-02. Review status: criteria provided, single submitter. Criteria: Invitae Variant Classification Sherloc (09022015). Collection method: clinical testing. Allele origin: germline.

ARUP Laboratories, Molecular Genetics and Genomics, ARUP Laboratories
Classification: Benign. Last evaluated: 2025-07-03. Review status: criteria provided, single submitter. Criteria: ARUP Molecular Germline Variant Investigation Process 2024. Collection method: clinical testing. Allele origin: germline.

Blueprint Genetics
Classification: Likely benign. Last evaluated: 2024-11-27. Review status: criteria provided, single submitter. Criteria: ACMG Guidelines, 2015. Collection method: clinical testing. Allele origin: germline.

Ambry Genetics
Classification: Likely benign for Inborn genetic diseases. Last evaluated: 2022-02-14. Review status: criteria provided, single submitter. Criteria: Ambry Variant Classification Scheme 2023. Collection method: clinical testing. Allele origin: germline.

Genetic Services Laboratory, University of Chicago
Classification: Benign. Last evaluated: 2021-03-27. Review status: criteria provided, single submitter. Criteria: ACMG Guidelines, 2015. Collection method: clinical testing. Allele origin: germline. Affected: no.

GeneDx
Classification: Benign. Last evaluated: 2020-04-02. Review status: criteria provided, single submitter. Criteria: GeneDx Variant Classification Process June 2021. Collection method: clinical testing. Allele origin: germline. Affected: yes.

Breakthrough Genomics
Classification: Benign. Review status: criteria provided, single submitter. Criteria: ACMG Guidelines, 2015. Collection method: not provided. Allele origin: germline. Inheritance: Autosomal recessive inheritance. Affected: yes.

Natera, Inc.
Classification: Benign for Dyskeratosis congenita. Last evaluated: 2020-09-16. Review status: no assertion criteria provided. Collection method: clinical testing. Allele origin: germline. Not counted in ClinVar's aggregate classification.

PreventionGenetics, part of Exact Sciences
Classification: Benign for RTEL1-related condition. Last evaluated: 2019-03-20. Review status: no assertion criteria provided. Collection method: clinical testing. Allele origin: germline. Not counted in ClinVar's aggregate classification.
Comment: This variant is classified as benign based on ACMG/AMP sequence variant interpretation guidelines (Richards et al. 2015 PMID: 25741868, with internal and published modifications).